The following is an entry in ClinVar:

ClinVar aggregate classification (germline): Conflicting classifications of pathogenicity. Review status: criteria provided, conflicting classifications (1 of 4 stars). 7 submissions from 7 submitters: Pathogenic (2); Likely pathogenic (3); Uncertain significance (1). 1 of the submissions does not count toward it. Last evaluated 2025-06-17.

Conditions:
Dihydropyrimidine dehydrogenase deficiency (DPYDD). Also called: DPD DEFICIENCY; DPYD DEFICIENCY; Hereditary Thymine-Uraciluria. Identifiers: Orphanet 1675, MedGen C1959620, MONDO:0010130, OMIM 274270.

Allele frequency attached by ClinVar (database versions not stated): TOPMed 0.00006; ExAC 0.00007; gnomAD 0.00004 and 0.00005.
gnomAD v4.1: 43 of 1,613,686 alleles (0.0027%); highest among the groups gnomAD compares: South Asian, 0.024%; no homozygotes.

Submissions (7):

Myriad Genetics, Inc.
Classification: Likely pathogenic for Dihydropyrimidine dehydrogenase deficiency. Last evaluated: 2025-06-17. Review status: criteria provided, single submitter. Criteria: Myriad Autosomal Dominant, Autosomal Recessive and X-Linked Classification Criteria (2023). Collection method: clinical testing. Allele origin: unknown.
Comment: NM_000110.3(DPYD):c.1475C>T(S492L) is a missense variant classified as likely pathogenic in the context of dihydropyrimidine dehydrogenase deficiency. S492L has been observed in cases with relevant disease (PMID: 11988088, 33083013, 28481884). Relevant functional assessments of this variant are available in the literature (PMID: 24648345). Internal structural analysis of the variant is supportive of pathogenicity. S492L has been observed in referenced population frequency databases. In summary, NM_000110.3(DPYD):c.1475C>T(S492L) is a missense variant that has internal structural support for pathogenicity and has been observed more frequently in cases with the relevant disease than in healthy populations. Please note: this variant was assessed in the context of healthy population screening.

Blueprint Genetics
Classification: Uncertain significance. Last evaluated: 2024-10-04. Review status: criteria provided, single submitter. Criteria: ACMG Guidelines, 2015. Collection method: clinical testing. Allele origin: germline.

Women's Health and Genetics/Laboratory Corporation of America, LabCorp
Classification: Pathogenic for Dihydropyrimidine dehydrogenase deficiency. Last evaluated: 2024-09-27. Review status: criteria provided, single submitter. Criteria: LabCorp Variant Classification Summary - May 2015. Collection method: clinical testing. Allele origin: germline.
Comment: Variant summary: DPYD c.1475C>T (p.Ser492Leu) results in a non-conservative amino acid change located in the FAD/NAD(P)-binding domain (IPR023753) of the encoded protein sequence. Five of five in-silico tools predict a damaging effect of the variant on protein function. The variant allele was found at a frequency of 4.4e-05 in 251052 control chromosomes (gnomAD). This frequency is not significantly higher than estimated for a pathogenic variant in DPYD causing Dihydropyrimidine Dehydrogenase Deficiency (4.4e-05 vs 0.0025), allowing no conclusion about variant significance. c.1475C>T has been reported in the literature in homozygous individuals affected with Dihydropyrimidine Dehydrogenase Deficiency (e.g. Van Kuilenburg_2002, Cheema_2020). The variant has also been reported as heterozygous in at least one individual who exhibited signs of toxicity upon treatment with capecitabine (e.g. Milano_2016, Etienee-Grimaldi_2017). These data indicate that the variant is likely to be associated with disease. Publications report experimental evidence evaluating an impact on protein function, finding that the variant resulted in nearly absent enzyme activity in homozygous patient cells and substantially reduced activity (~18% of wild type) when expressed in an isogenic cell line (e.g. Van Kuilenburg_2002, Offer_2014). The following publications have been ascertained in the context of this evaluation (PMID: 24648345, 11988088, 24590654, 31745289, 32707991, 32899374, 28481884, 12912951, 27454530, 17046731, 33083013). ClinVar contains an entry for this variant (Variation ID: 298293). Based on the evidence outlined above, the variant was classified as pathogenic.

Baylor Genetics
Classification: Likely pathogenic for Dihydropyrimidine dehydrogenase deficiency. Last evaluated: 2024-03-09. Review status: criteria provided, single submitter. Criteria: ACMG Guidelines, 2015. Collection method: clinical testing. Allele origin: unknown.

Pittsburgh Clinical Genomics Laboratory, University of Pittsburgh Medical Center
Classification: Likely pathogenic for Dihydropyrimidine dehydrogenase deficiency. Last evaluated: 2022-02-08. Review status: criteria provided, single submitter. Criteria: ACMG Guidelines, 2015. Collection method: clinical testing. Allele origin: germline. Inheritance: Autosomal unknown. Affected: yes.
Comment: This sequence variant is a single nucleotide substitution (C>T) which results in a serine to leucine amino acid change at residue 492 of the DPYD protein. This is a previously reported variant (ClinVar) which has been reported in homozygous state in an individual with complete dihydropyrimidine dehydrogese deficiency (PMID: 11988088) and in heterozygous state in an individual with grade 4 toxicity to capecitabine (PMID: 28481884). This variant is rare in the gnomAD control population dataset (13/282442 alleles or 0.005%). Multiple bioinformatic tools predict that this serine to leucine amino acid change will be damaging, and serine is highly conserved at this protein position in vertebrates. Functiol studies suggest that the variant protein has significantly decreased dihydropyrimidine dehydrogese activity decreased compared to wild-type protein (PMID: 11988088, 24648345). Ser492 is in the FAD cofactor binding site, and protein crystal structure alysis suggests that substituting leucine at this position inhibits FAD interaction (PMID: 11988088). Given the available evidence, we consider this variant to be likely pathogenic. ACMG Criteria: PM2, PP3, PS3

CENTOGENE GmbH and LLC - Guiding Precision Medicine
Classification: Pathogenic for Dihydropyrimidine dehydrogenase deficiency. Review status: criteria provided, single submitter. Criteria: ACMG Guidelines, 2015. Collection method: clinical testing. Allele origin: germline. Affected: yes.

Counsyl
Classification: Uncertain significance for Dihydropyrimidine dehydrogenase deficiency. Last evaluated: 2017-11-09. Review status: no assertion criteria provided. Collection method: clinical testing. Allele origin: unknown. Not counted in ClinVar's aggregate classification.

Literature cited by the submitters: PubMed 11988088 (cited by 4 submitters); PubMed 24648345 (cited by 4 submitters); PubMed 28481884 (cited by 3 submitters); PubMed 33083013 (cited by Myriad Genetics, Inc. and Women's Health and Genetics/Laboratory Corporation of America, LabCorp); PubMed 24590654 (cited by Women's Health and Genetics/Laboratory Corporation of America, LabCorp); PubMed 31745289 (cited by Women's Health and Genetics/Laboratory Corporation of America, LabCorp); PubMed 32707991 (cited by Women's Health and Genetics/Laboratory Corporation of America, LabCorp); PubMed 32899374 (cited by Women's Health and Genetics/Laboratory Corporation of America, LabCorp); PubMed 12912951 (cited by Women's Health and Genetics/Laboratory Corporation of America, LabCorp); PubMed 27454530 (cited by Women's Health and Genetics/Laboratory Corporation of America, LabCorp); PubMed 17046731 (cited by Women's Health and Genetics/Laboratory Corporation of America, LabCorp).

NM_000110.4(DPYD):c.1475C>T (p.Ser492Leu)

Gene: DPYD (dihydropyrimidine dehydrogenase; minus strand). Cytogenetic location: 1p21.3.
Variant type: single nucleotide variant.
Coding change: c.1475C>T on transcript NM_000110.4 (MANE Select); coding-DNA position 1475, C replaced by T.
Protein change: p.Ser492Leu; replaces serine 492 with leucine.
Molecular consequence: missense variant.
Genome position (GRCh38, 1-based): chr1:97,549,609, G>A on the plus strand (C>T on the coding strand, the complement: DPYD is on the minus strand). VCF-style: chr1-97549609-G-A. GRCh37 (hg19) VCF-style: chr1-98015165-G-A.
Other names: short protein forms S492L.
Identifiers: ClinVar variation 298293 (VCV000298293.14), dbSNP rs72549304, ClinGen allele CA963340.